The following is an entry in ClinVar:

NM_177559.3(CSNK2A1):c.473A>G (p.Lys158Arg)

Gene: CSNK2A1 (casein kinase 2 alpha 1; minus strand). Cytogenetic location: 20p13.
Variant type: single nucleotide variant.
Coding change: c.473A>G on transcript NM_177559.3 (MANE Select); coding-DNA position 473, A replaced by G.
Protein change: p.Lys158Arg; replaces lysine 158 with arginine.
Molecular consequence: missense variant.
Genome position (GRCh38, 1-based): chr20:495,756, T>C on the plus strand (A>G on the coding strand, the complement: CSNK2A1 is on the minus strand). VCF-style: chr20-495756-T-C. GRCh37 (hg19) VCF-style: chr20-476400-T-C.
Other names: c.473A>G, p.Lys158Arg (NM_001362770.2, NM_001362771.2, NM_001895.4); c.65A>G, p.Lys22Arg (NM_177560.3); short protein forms K158R, K22R.
Identifiers: ClinVar variation 1172788 (VCV001172788.13), dbSNP rs2122531973, ClinGen allele CA407933062.

ClinVar aggregate classification (germline): Pathogenic/Likely pathogenic. Review status: criteria provided, multiple submitters, no conflicts (2 of 4 stars). 4 submissions from 4 submitters: Pathogenic (1); Likely pathogenic (3). Last evaluated 2025-11-06.

Conditions:
CSNK2A1-related disorder. Also called: CSNK2A1-related condition; CSNK2A1- Related Disorders.
Okur-Chung neurodevelopmental syndrome (OCNDS). Identifiers: Orphanet 689422, MedGen C4310739, MONDO:0014893, OMIM 617062.

Allele frequency attached by ClinVar (database versions not stated): gnomAD exomes below 0.00001.
gnomAD v4.1: 1 of 1,614,178 alleles (0.000062%); no homozygotes.

Submissions (4):

GeneDx
Classification: Pathogenic. Last evaluated: 2025-11-06. Review status: criteria provided, single submitter. Criteria: GeneDx Variant Classification Process June 2021. Collection method: clinical testing. Allele origin: germline. Affected: yes.
Comment: Not observed at significant frequency in large population cohorts (gnomAD); In silico analysis supports that this missense variant has a deleterious effect on protein structure/function; This variant is associated with the following publications: (PMID: 36310603)

CeGaT Center for Human Genetics Tuebingen
Classification: Likely pathogenic. Last evaluated: 2025-03-01. Review status: criteria provided, single submitter. Criteria: CeGaT Center For Human Genetics Tuebingen Variant Classification Criteria Version 2. Collection method: clinical testing. Allele origin: germline. Affected: yes. Observed: 1 variant allele.
Comment: CSNK2A1: PM1, PM2, PS2:Moderate, PP2, PP3

Blueprint Genetics
Classification: Likely pathogenic for CSNK2A1-related disorders. Last evaluated: 2023-12-11. Review status: criteria provided, single submitter. Criteria: ACMG Guidelines, 2015. Collection method: clinical testing. Allele origin: de novo. Affected: yes. Observed: 1 variant allele.

Juno Genomics, Hangzhou Juno Genomics, Inc
Classification: Likely pathogenic for Okur-Chung neurodevelopmental syndrome. Review status: criteria provided, single submitter. Criteria: ACMG Guidelines, 2015. Collection method: clinical testing. Allele origin: germline. Affected: yes.
Comment: Absent from controls (or at extremely low frequency if recessive) in Genome Aggregation Database, Exome Sequencing Project, 1000 Genomes Project, or Exome Aggregation Consortium.;Multiple lines of computational evidence support a deleterious effect on the gene or gene product (conservation, evolutionary, splicing impact, etc).;Missense variant in a gene that has a low rate of benign missense variation and where missense variants are a common mechanism of disease.;The prevalence of the variant in affected individuals is significantly increased compared to the prevalence in controls.;Patient's phenotype or family history is highly specific for a disease with a single genetic etiology.